The following is an entry in ClinVar:

NM_007294.3(BRCA1):c.5075-?_5193+?dup119

Gene: BRCA1 (BRCA1 DNA repair associated; minus strand). Cytogenetic location: 17q21.31.
Variant type: Duplication.
Coding change: c.5075-?_5193+?dup119 on transcript NM_007294.3.
Identifiers: ClinVar variation 417468 (VCV000417468.1).

ClinVar aggregate classification (germline): Pathogenic (1 of 4 stars; one submission).

Conditions:
Hereditary breast ovarian cancer syndrome. Also called: Breast and ovarian cancer; Hereditary breast and ovarian cancer; Hereditary breast and/or ovarian cancer syndrome; BRCA1- and BRCA2-Associated Hereditary Breast and Ovarian Cancer; Hereditary breast and ovarian cancer syndrome (HBOC); Hereditary breast and ovarian cancer syndrome. Identifiers: Orphanet 145, MedGen C0677776, MeSH D061325, MONDO:0003582. Disease mechanism: loss of function.

Submission:

Labcorp Genetics (formerly Invitae), Labcorp
Classification: Pathogenic for Hereditary breast ovarian cancer syndrome. Last evaluated: 2016-11-29. Review status: criteria provided, single submitter. Criteria: Invitae Variant Classification Sherloc (09022015). Collection method: clinical testing. Allele origin: germline.
Comment: This variant is a gross duplication of the genomic region encompassing exons 17-18 of the BRCA1 gene. While the exact position of the duplicated exons cannot be determined from this data, the duplicated copy of this region is likely in tandem and may result in an absent or disrupted protein product. Loss-of-function variants including gross alterations in BRCA1 are known to be pathogenic. Duplications of exons 17-18 have been reported in the literature in individuals with personal and/or family history of breast cancer (PMID: 16551709, 16724249, 16644204, 22544547). While the breakpoints are unknown, a duplication of exons 17-18 was reported as a recurrent large rearrangement among individuals of African ancestry (PMID: 22544547). In the literature, duplication of exons 17-18 is also known as duplication of exons 18-19 by alternative exon numbering. For these reasons, this variant has been classified as Pathogenic.